The following is an entry in ClinVar:

ClinVar aggregate classification (germline): Pathogenic (1 of 4 stars; one submission).

Conditions:
ABCA4-related disorder. Also called: ABCA4-related condition; ABCA4-related disorders. Identifiers: MedGen CN239167.

Submission:

3billion
Classification: Pathogenic for ABCA4-related disorder. Last evaluated: 2026-01-23. Review status: criteria provided, single submitter. Criteria: ACMG Guidelines, 2015. Collection method: clinical testing. Allele origin: germline. Affected: yes.
Comment: The variant is not observed in the gnomAD v4.1.0 dataset. Predicted Consequence/Location: Frameshift: predicted to result in a loss or disruption of normal protein function through nonsense-mediated decay (NMD) or protein truncation. Multiple pathogenic variants are reported downstream of the variant. The variant has been reported to be associated with ABCA4-related disorder (PMID: 39162841). Therefore, this variant is classified as Pathogenic according to the recommendation of ACMG/AMP guideline.

Literature cited by the submitters: PubMed 39162841.

NM_000350.3(ABCA4):c.1876_1888del (p.Ala626fs)

Gene: ABCA4 (ATP binding cassette subfamily A member 4; minus strand). Cytogenetic location: 1p22.1.
Variant type: Deletion.
Coding change: c.1876_1888del on transcript NM_000350.3 (MANE Select); coding-DNA positions 1876 to 1888, 13 bases deleted (GCGGAGGCTCCAG).
Protein change: p.Ala626fs; shifts the reading frame from alanine 626.
Molecular consequence: frameshift variant.
Genome position (GRCh38, 1-based): chr1:94,062,626-94,062,638, CTGGAGCCTCCGC deleted on the plus strand (GCGGAGGCTCCAG on the coding strand, the reverse complement: ABCA4 is on the minus strand); deleting any 13 consecutive bases within chr1:94,062,626-94,062,641 gives the same sequence; the c. name uses the placement nearest the transcript's 3' end. VCF-style (leftmost placement, unchanged base first): chr1-94062625-ACTGGAGCCTCCGC-A. GRCh37 (hg19) VCF-style: chr1-94528181-ACTGGAGCCTCCGC-A.
Other names: c.1876_1888del, p.Ala626fs (NM_001425324.1); short protein forms A626fs.
Identifiers: ClinVar variation 4856125 (VCV004856125.1).